The following is an entry in ClinVar:

NM_001852.4(COL9A2):c.823C>T (p.Arg275Ter)

Gene: COL9A2 (collagen type IX alpha 2 chain; minus strand). Cytogenetic location: 1p34.2.
Variant type: single nucleotide variant.
Coding change: c.823C>T on transcript NM_001852.4 (MANE Select); coding-DNA position 823, C replaced by T.
Protein change: p.Arg275Ter; replaces arginine 275 with a stop codon.
Molecular consequence: nonsense.
Genome position (GRCh38, 1-based): chr1:40,309,961, G>A on the plus strand (C>T on the coding strand, the complement: COL9A2 is on the minus strand). VCF-style: chr1-40309961-G-A. GRCh37 (hg19) VCF-style: chr1-40775633-G-A.
Other names: short protein forms R275*.
Identifiers: ClinVar variation 3682449 (VCV003682449.2).
Genomic context (GRCh38, chr1:40,309,961, plus strand): 5'-GGGGTCCTGACTGAACAATGGGTGCCTGAGGACTCACCTCGTCACCCTTCTCCCCAGCTC[G>A]GCCTGGCGGTCCCCTAGGACCTTCCTCACCCTGGCAAGAAAGACAAGCAGGAATCCAGGT-3'

ClinVar aggregate classification (germline): Pathogenic (1 of 4 stars; one submission).

gnomAD v4.1: 2 of 1,613,972 alleles (0.00012%); highest among the groups gnomAD compares: Non-Finnish European, 0.00017%; no homozygotes.

Submission:

Labcorp Genetics (formerly Invitae), Labcorp
Classification: Pathogenic. Last evaluated: 2024-11-29. Review status: criteria provided, single submitter. Criteria: Invitae Variant Classification Sherloc (09022015). Collection method: clinical testing. Allele origin: germline.
Comment: This sequence change creates a premature translational stop signal (p.Arg275*) in the COL9A2 gene. It is expected to result in an absent or disrupted protein product. Loss-of-function variants in COL9A2 are known to be pathogenic (PMID: 21671392, 33356723). This variant is present in population databases (rs759612204, gnomAD 0.0009%). This variant has not been reported in the literature in individuals affected with COL9A2-related conditions. For these reasons, this variant has been classified as Pathogenic.

Literature cited by the submitters: PubMed 21671392; PubMed 33356723.